The following is an entry in ClinVar:

NM_000182.5(HADHA):c.911T>C (p.Ile304Thr)

Gene: HADHA (hydroxyacyl-CoA dehydrogenase trifunctional multienzyme complex subunit alpha; minus strand). Cytogenetic location: 2p23.3.
Variant type: single nucleotide variant.
Coding change: c.911T>C on transcript NM_000182.5 (MANE Select); coding-DNA position 911, T replaced by C.
Protein change: p.Ile304Thr; replaces isoleucine 304 with threonine.
Molecular consequence: missense variant.
Genome position (GRCh38, 1-based): chr2:26,214,450, A>G on the plus strand (T>C on the coding strand, the complement: HADHA is on the minus strand). VCF-style: chr2-26214450-A-G. GRCh37 (hg19) VCF-style: chr2-26437319-A-G.
Other names: short protein forms I304T.
Identifiers: ClinVar variation 521419 (VCV000521419.7), dbSNP rs369774960, ClinGen allele CA1559754.

ClinVar aggregate classification (germline): Uncertain significance. Review status: criteria provided, multiple submitters, no conflicts (2 of 4 stars). 3 submissions from 3 submitters: Uncertain significance (2). 1 of the submissions does not count toward it. Last evaluated 2022-03-15.

Conditions:
Inborn genetic diseases. Identifiers: MedGen C0950123, MeSH D030342.
Mitochondrial trifunctional protein deficiency. Identifiers: Orphanet 746, MedGen C1969443, MONDO:0012172.
Long chain 3-hydroxyacyl-CoA dehydrogenase deficiency. Also called: Deficiency of long-chain 3-hydroxyacyl-coenzyme A dehydrogenase; LCHAD Deficiency. Identifiers: Orphanet 5, MedGen C3711645, MONDO:0012173, OMIM 609016.

Allele frequency attached by ClinVar (database versions not stated): gnomAD 0.00001; gnomAD exomes 0.00001 and 0.00003; ExAC 0.00003; TOPMed 0.00004; ESP Exome Variant Server 0.00008.

Submissions (3):

Labcorp Genetics (formerly Invitae), Labcorp
Classification: Uncertain significance for Mitochondrial trifunctional protein deficiency; Long chain 3-hydroxyacyl-CoA dehydrogenase deficiency. Last evaluated: 2022-03-15. Review status: criteria provided, single submitter. Criteria: Invitae Variant Classification Sherloc (09022015). Collection method: clinical testing. Allele origin: germline.
Comment: This sequence change replaces isoleucine, which is neutral and non-polar, with threonine, which is neutral and polar, at codon 304 of the HADHA protein (p.Ile304Thr). This variant is present in population databases (rs369774960, gnomAD 0.006%). This variant has not been reported in the literature in individuals affected with HADHA-related conditions. ClinVar contains an entry for this variant (Variation ID: 521419). Algorithms developed to predict the effect of missense changes on protein structure and function are either unavailable or do not agree on the potential impact of this missense change (SIFT: "Deleterious"; PolyPhen-2: "Probably Damaging"; Align-GVGD: "Class C0"). In summary, the available evidence is currently insufficient to determine the role of this variant in disease. Therefore, it has been classified as a Variant of Uncertain Significance.

Ambry Genetics
Classification: Uncertain significance for Inborn genetic diseases. Last evaluated: 2017-06-07. Review status: criteria provided, single submitter. Criteria: Ambry exome assertion method (8-5-2015). Collection method: clinical testing. Allele origin: germline. Affected: yes. Observed: 1 variant allele.

Natera, Inc.
Classification: Uncertain significance for Deficiency of long-chain 3-hydroxyacyl-coenzyme A dehydrogenase. Last evaluated: 2019-10-28. Review status: no assertion criteria provided. Collection method: clinical testing. Allele origin: germline. Not counted in ClinVar's aggregate classification.